The following is an entry in ClinVar:

ClinVar aggregate classification (germline): Uncertain significance. Review status: criteria provided, multiple submitters, no conflicts (2 of 4 stars). 2 submissions from 2 submitters: Uncertain significance (2). Last evaluated 2023-09-16.

Conditions:
Hereditary cancer-predisposing syndrome. Also called: Neoplastic Syndromes, Hereditary; Hereditary Cancer Syndrome; Hereditary neoplastic syndrome; Tumor predisposition. Identifiers: Orphanet 140162, MedGen C0027672, MeSH D009386, MONDO:0015356.
Breast-ovarian cancer, familial, susceptibility to, 4. Identifiers: Orphanet 145, MedGen C3280345, MONDO:0013669, OMIM 614291.

Submissions (2):

Ambry Genetics
Classification: Uncertain significance for Hereditary cancer-predisposing syndrome. Last evaluated: 2023-09-16. Review status: criteria provided, single submitter. Criteria: Ambry Variant Classification Scheme 2023. Collection method: clinical testing. Allele origin: germline.
Comment: The p.G140W variant (also known as c.418G>T), located in coding exon 5 of the RAD51D gene, results from a G to T substitution at nucleotide position 418. The glycine at codon 140 is replaced by tryptophan, an amino acid with highly dissimilar properties. This amino acid position is conserved. In addition, this alteration is predicted to be deleterious by in silico analysis. Since supporting evidence is limited at this time, the clinical significance of this alteration remains unclear.

Labcorp Genetics (formerly Invitae), Labcorp
Classification: Uncertain significance for Breast-ovarian cancer, familial, susceptibility to, 4. Last evaluated: 2023-03-16. Review status: criteria provided, single submitter. Criteria: Invitae Variant Classification Sherloc (09022015). Collection method: clinical testing. Allele origin: germline.
Comment: Advanced modeling of protein sequence and biophysical properties (such as structural, functional, and spatial information, amino acid conservation, physicochemical variation, residue mobility, and thermodynamic stability) performed at Invitae indicates that this missense variant is expected to disrupt RAD51D protein function. This sequence change replaces glycine, which is neutral and non-polar, with tryptophan, which is neutral and slightly polar, at codon 140 of the RAD51D protein (p.Gly140Trp). This variant is not present in population databases (gnomAD no frequency). This variant has not been reported in the literature in individuals affected with RAD51D-related conditions. In summary, the available evidence is currently insufficient to determine the role of this variant in disease. Therefore, it has been classified as a Variant of Uncertain Significance.

NM_002878.4(RAD51D):c.418G>T (p.Gly140Trp)

Genes: RAD51D (RAD51 paralog D; minus strand), RAD51L3-RFFL (RAD51L3-RFFL readthrough; minus strand). Cytogenetic location: 17q12.
Variant type: single nucleotide variant.
Coding change: c.418G>T on transcript NM_002878.4 (MANE Select); coding-DNA position 418, G replaced by T.
Protein change: p.Gly140Trp; replaces glycine 140 with tryptophan.
Molecular consequence: missense variant. On other transcripts: non-coding transcript variant (1), intron variant (1).
Genome position (GRCh38, 1-based): chr17:35,107,050, C>A on the plus strand (G>T on the coding strand, the complement: RAD51D is on the minus strand). VCF-style: chr17-35107050-C-A. GRCh37 (hg19) VCF-style: chr17-33434069-C-A.
Other names: c.478G>T, p.Gly160Trp (NM_001142571.2); c.145-569G>T (NM_133629.3); short protein forms G140W, G160W.
Identifiers: ClinVar variation 2846128 (VCV002846128.4), dbSNP rs2142432997, ClinGen allele CA399089262.